The following is an entry in ClinVar:

NM_014049.5(ACAD9):c.778G>A (p.Glu260Lys)

Gene: ACAD9 (acyl-CoA dehydrogenase family member 9; plus strand). Cytogenetic location: 3q21.3.
Variant type: single nucleotide variant.
Coding change: c.778G>A on transcript NM_014049.5 (MANE Select); coding-DNA position 778, G replaced by A.
Protein change: p.Glu260Lys; replaces glutamic acid 260 with lysine.
Molecular consequence: missense variant. On other transcripts: non-coding transcript variant (1).
Genome position (GRCh38, 1-based): chr3:128,899,431, G>A. VCF-style: chr3-128899431-G-A. GRCh37 (hg19) VCF-style: chr3-128618274-G-A.
Other names: short protein forms E260K.
Identifiers: ClinVar variation 900022 (VCV000900022.6), dbSNP rs199504238, ClinGen allele CA2601260.
Genomic context (GRCh38, chr3:128,899,431, plus strand): 5'-GACAAAATCACAGCATTCATAGTAGAAAGAGACTTTGGTGGAGTCACTAATGGGAAACCC[G>A]AAGATAAATTAGGCATTCGGGGCTCCAACAGTAAGTAGCTCCTGTGCGCGCGTGCGCGTG-3'
Protein context (NP_054768.2, residues 250-270): DFGGVTNGKP[Glu260Lys]DKLGIRGSNT

ClinVar aggregate classification (germline): Uncertain significance. Review status: criteria provided, multiple submitters, no conflicts (2 of 4 stars). 3 submissions from 3 submitters: Uncertain significance (3). Last evaluated 2023-10-10.

Conditions:
Inborn genetic diseases. Identifiers: MedGen C0950123, MeSH D030342.
Acyl-CoA dehydrogenase 9 deficiency. Also called: Acyl-CoA dehydrogenase family, member 9, deficiency of; MITOCHONDRIAL COMPLEX I DEFICIENCY, NUCLEAR TYPE 20. Identifiers: Orphanet 99901, MedGen C4747517, MONDO:0012624, OMIM 611126.

Allele frequency attached by ClinVar (database versions not stated): gnomAD exomes 0.00003 and 0.00004; gnomAD 0.00004; ExAC 0.00005; ESP Exome Variant Server 0.00008; TOPMed 0.00009.
gnomAD v4.1: 65 of 1,614,060 alleles (0.004%); highest among the groups gnomAD compares: East Asian, 0.022%; no homozygotes.

Submissions (3):

Ambry Genetics
Classification: Uncertain significance for Inborn genetic diseases. Last evaluated: 2023-10-10. Review status: criteria provided, single submitter. Criteria: Ambry Variant Classification Scheme 2023. Collection method: clinical testing. Allele origin: germline.

Labcorp Genetics (formerly Invitae), Labcorp
Classification: Uncertain significance. Last evaluated: 2022-06-22. Review status: criteria provided, single submitter. Criteria: Invitae Variant Classification Sherloc (09022015). Collection method: clinical testing. Allele origin: germline.
Comment: This sequence change replaces glutamic acid, which is acidic and polar, with lysine, which is basic and polar, at codon 260 of the ACAD9 protein (p.Glu260Lys). This variant is present in population databases (rs199504238, gnomAD 0.05%). This variant has not been reported in the literature in individuals affected with ACAD9-related conditions. ClinVar contains an entry for this variant (Variation ID: 900022). Advanced modeling of protein sequence and biophysical properties (such as structural, functional, and spatial information, amino acid conservation, physicochemical variation, residue mobility, and thermodynamic stability) performed at Invitae indicates that this missense variant is expected to disrupt ACAD9 protein function. In summary, the available evidence is currently insufficient to determine the role of this variant in disease. Therefore, it has been classified as a Variant of Uncertain Significance.

Illumina Laboratory Services, Illumina
Classification: Uncertain significance for Acyl-CoA dehydrogenase 9 deficiency. Last evaluated: 2018-01-12. Review status: criteria provided, single submitter. Criteria: ICSL Variant Classification Criteria 13 December 2019. Collection method: clinical testing. Allele origin: germline.